The following is an entry in ClinVar:

ClinVar aggregate classification (germline): Uncertain significance. Review status: criteria provided, multiple submitters, no conflicts (2 of 4 stars). 2 submissions from 2 submitters: Uncertain significance (2). Last evaluated 2025-03-14.

gnomAD v4.1: 54 of 1,613,746 alleles (0.0033%); highest among the groups gnomAD compares: Non-Finnish European, 0.0044%; no homozygotes.

Submissions (2):

Ambry Genetics
Classification: Uncertain significance. Last evaluated: 2025-03-14. Review status: criteria provided, single submitter. Criteria: Ambry Variant Classification Scheme 2023. Collection method: clinical testing. Allele origin: germline.

Labcorp Genetics (formerly Invitae), Labcorp
Classification: Uncertain significance. Last evaluated: 2021-05-22. Review status: criteria provided, single submitter. Criteria: Invitae Variant Classification Sherloc (09022015). Collection method: clinical testing. Allele origin: germline.
Comment: In summary, the available evidence is currently insufficient to determine the role of this variant in disease. Therefore, it has been classified as a Variant of Uncertain Significance. Algorithms developed to predict the effect of missense changes on protein structure and function are either unavailable or do not agree on the potential impact of this missense change (SIFT: "Not Available"; PolyPhen-2: "Probably Damaging"; Align-GVGD: "Not Available"). This variant has not been reported in the literature in individuals with ADD3-related conditions. This variant is not present in population databases (ExAC no frequency). This sequence change replaces glutamic acid with lysine at codon 659 of the ADD3 protein (p.Glu659Lys). The glutamic acid residue is highly conserved and there is a small physicochemical difference between glutamic acid and lysine.

NM_016824.5(ADD3):c.1975G>A (p.Glu659Lys)

Gene: ADD3 (adducin 3; plus strand). Cytogenetic location: 10q25.2.
Variant type: single nucleotide variant.
Coding change: c.1975G>A on transcript NM_016824.5 (MANE Select); coding-DNA position 1975, G replaced by A.
Protein change: p.Glu659Lys; replaces glutamic acid 659 with lysine.
Molecular consequence: missense variant.
Genome position (GRCh38, 1-based): chr10:110,133,472, G>A. VCF-style: chr10-110133472-G-A. GRCh37 (hg19) VCF-style: chr10-111893230-G-A.
Other names: c.1879G>A, p.Glu627Lys (NM_001121.4, NM_019903.5); c.1975G>A, p.Glu659Lys (NM_001320591.2, NM_001320592.2, NM_001320593.2); c.1741G>A, p.Glu581Lys (NM_001320594.2); c.1975G>A (NM_016824.3); short protein forms E627K, E581K, E659K.
Identifiers: ClinVar variation 1408170 (VCV001408170.5), dbSNP rs753083630, ClinGen allele CA378382449.